The following is an entry in ClinVar:

NM_018344.6(SLC29A3):c.964A>T (p.Ile322Phe)

Gene: SLC29A3 (solute carrier family 29 member 3; plus strand). Cytogenetic location: 10q22.1.
Variant type: single nucleotide variant.
Coding change: c.964A>T on transcript NM_018344.6 (MANE Select); coding-DNA position 964, A replaced by T.
Protein change: p.Ile322Phe; replaces isoleucine 322 with phenylalanine.
Molecular consequence: missense variant. On other transcripts: 3 prime UTR variant (1), non-coding transcript variant (2).
Genome position (GRCh38, 1-based): chr10:71,362,144, A>T. VCF-style: chr10-71362144-A-T. GRCh37 (hg19) VCF-style: chr10-73121901-A-T.
Other names: c.*193A>T (NM_001174098.2); c.730A>T, p.Ile244Phe (NM_001363518.2); short protein forms I244F, I322F.
Identifiers: ClinVar variation 1398364 (VCV001398364.6), dbSNP rs1260766977, ClinGen allele CA377115169.

ClinVar aggregate classification (germline): Uncertain significance (1 of 4 stars; one submission).

Conditions:
H syndrome. Also called: Pigmented hypertrichosis and insulin-dependent diabetes mellitus; HISTIOCYTOSIS AND LYMPHADENOPATHY WITH OR WITHOUT CUTANEOUS, CARDIAC, AND/OR ENDOCRINE FEATURES, JOINT CONTRACTURES, AND/OR DEAFNESS; HYPERPIGMENTATION, CUTANEOUS, WITH HYPERTRICHOSIS, HEPATOSPLENOMEGALY, HEART ANOMALIES, AND HYPOGONADISM WITH OR WITHOUT HEARING LOSS; PIGMENTED HYPERTRICHOSIS WITH INSULIN-DEPENDENT DIABETES MELLITUS; ROSAI-DORFMAN DISEASE, FAMILIAL; SINUS HISTIOCYTOSIS AND MASSIVE LYMPHADENOPATHY. Identifiers: Orphanet 168569, MedGen C1864445, MONDO:0011273, OMIM 602782.

Allele frequency attached by ClinVar (database versions not stated): TOPMed below 0.00001.

Submission:

Labcorp Genetics (formerly Invitae), Labcorp
Classification: Uncertain significance for H syndrome. Last evaluated: 2021-11-25. Review status: criteria provided, single submitter. Criteria: Invitae Variant Classification Sherloc (09022015). Collection method: clinical testing. Allele origin: germline.
Comment: In summary, the available evidence is currently insufficient to determine the role of this variant in disease. Therefore, it has been classified as a Variant of Uncertain Significance. Algorithms developed to predict the effect of missense changes on protein structure and function are either unavailable or do not agree on the potential impact of this missense change (SIFT: "Deleterious"; PolyPhen-2: "Possibly Damaging"; Align-GVGD: "Class C0"). This variant has not been reported in the literature in individuals affected with SLC29A3-related conditions. This variant is not present in population databases (gnomAD no frequency). This sequence change replaces isoleucine, which is neutral and non-polar, with phenylalanine, which is neutral and non-polar, at codon 322 of the SLC29A3 protein (p.Ile322Phe).